The following is an entry in ClinVar:

NM_152594.3(SPRED1):c.424-6312C>G

Gene: SPRED1 (sprouty related EVH1 domain containing 1; plus strand). Cytogenetic location: 15q14.
Variant type: single nucleotide variant.
Coding change: c.424-6312C>G on transcript NM_152594.3 (MANE Select); 6312 bases into the intron before coding-DNA position 424, C replaced by G.
Molecular consequence: intron variant.
Genome position (GRCh38, 1-based): chr15:38,333,425, C>G. VCF-style: chr15-38333425-C-G. GRCh37 (hg19) VCF-style: chr15-38625626-C-G.
Identifiers: ClinVar variation 3765662 (VCV003765662.1).
Genomic context (GRCh38, chr15:38,333,425, plus strand): 5'-TGCTAACAGAAAGAGACAGGTACATCAATATTTGTAAAGCAAAGAAATGAGGATGAAAAT[C>G]AGTAGGAACAAGCCATATTAAGAAAGTATATTGACTATTTTAAAGTAACAGACTGTGTGT-3'

ClinVar aggregate classification (germline): Uncertain significance (1 of 4 stars; one submission).

gnomAD v4.1: 1 of 152,040 alleles (0.00066%); highest among the groups gnomAD compares: Non-Finnish European, 0.0015%; no homozygotes.

Submission:

Greenwood Genetic Center Diagnostic Laboratories, Greenwood Genetic Center
Classification: Uncertain significance. Last evaluated: 2024-09-23. Review status: criteria provided, single submitter. Criteria: ACMG Guidelines, 2015. Collection method: clinical testing. Allele origin: germline. Affected: yes.
Comment: PM2, BP4